The following is an entry in ClinVar:

NM_001365276.2(TNXB):c.211G>T (p.Val71Leu)

Gene: TNXB (tenascin XB; minus strand). Cytogenetic location: 6p21.33.
Variant type: single nucleotide variant.
Coding change: c.211G>T on transcript NM_001365276.2 (MANE Select); coding-DNA position 211, G replaced by T.
Protein change: p.Val71Leu; replaces valine 71 with leucine.
Molecular consequence: missense variant.
Genome position (GRCh38, 1-based): chr6:32,097,988, C>A on the plus strand (G>T on the coding strand, the complement: TNXB is on the minus strand). VCF-style: chr6-32097988-C-A. GRCh37 (hg19) VCF-style: chr6-32065765-C-A.
Other names: p.Val71Leu; c.211G>T, p.Val71Leu (NM_019105.8); short protein forms V71L.
Identifiers: ClinVar variation 289817 (VCV000289817.62), dbSNP rs201922477, ClinGen allele CA3735888.
Genomic context (GRCh38, chr6:32,097,988, plus strand): 5'-TGCCTGGGGGACAGCCACAGCCAGTGGAAGGGGGCAGGTTAATGCGGTGGGTGAATACCA[C>A]CTGCTTCTCCCCTCCTTCCACTGTGTGCTCGTAAAGCTGAGAAGAGGGGCTTCCCACTCC-3'
Protein context (NP_001352205.1, residues 61-81): EHTVEGGEKQ[Val71Leu]VFTHRINLPP

ClinVar aggregate classification (germline): Uncertain significance. Review status: criteria provided, multiple submitters, no conflicts (2 of 4 stars). 10 submissions from 10 submitters: Uncertain significance (9). 1 of the submissions does not count toward it. Last evaluated 2026-09-01.

Conditions:
Cardiovascular phenotype. Identifiers: MedGen CN230736.
TNXB-related disorder. Also called: TNXB-related condition.
Vesicoureteral reflux 8 (VUR8). Identifiers: Orphanet 289365, MedGen C4014831, MONDO:0014422, OMIM 615963.
Ehlers-Danlos syndrome due to tenascin-X deficiency (EDSCLL1). Also called: Ehlers-Danlos syndrome, classic-like, 1; EDS DUE TO TNX DEFICIENCY; TNX DEFICIENCY; TNXB-Related Classical-Like Ehlers-Danlos Syndrome; EHLERS-DANLOS SYNDROME, CLASSIC-LIKE. Identifiers: Orphanet 230839, MedGen C1848029, MONDO:0011670, OMIM 606408.

Allele frequency attached by ClinVar (database versions not stated): ESP Exome Variant Server 0.00017; TOPMed 0.00024; ExAC 0.00026; gnomAD exomes 0.00026; gnomAD 0.00029 and 0.00031.
gnomAD v4.1: 481 of 1,607,206 alleles (0.03%); highest among the groups gnomAD compares: Non-Finnish European, 0.037%; 1 homozygote.

Submissions (10):

CeGaT Center for Human Genetics Tuebingen
Classification: Uncertain significance. Last evaluated: 2026-09-01. Review status: criteria provided, single submitter. Criteria: CeGaT Center For Human Genetics Tuebingen Variant Classification Criteria Version 2. Collection method: clinical testing. Allele origin: germline. Affected: yes. Observed: 11 variant alleles.

Women's Health and Genetics/Laboratory Corporation of America, LabCorp
Classification: Uncertain significance. Last evaluated: 2026-02-03. Review status: criteria provided, single submitter. Criteria: LabCorp Variant Classification Summary - May 2015. Collection method: clinical testing. Allele origin: germline.
Comment: Variant summary: TNXB c.211G>T (p.Val71Leu) results in a conservative amino acid change in the encoded protein sequence. Algorithms developed to predict the effect of missense changes on protein structure and function are either unavailable or do not agree on the potential impact of this missense change. The variant allele was found at a frequency of 0.00026 in 248886 control chromosomes. This frequency is not significantly higher than estimated for disease-causing variants in TNXB, allowing no conclusion about variant significance. c.211G>T has been observed in individual(s) affected with Vesicoureteral Reflux 8 and symptoms of Ehlers-Danlos syndrome (Elahi_2016, Yang_2025). These data do not allow any conclusion about variant significance. To our knowledge, no experimental evidence demonstrating an impact on protein function has been reported. The following publications have been ascertained in the context of this evaluation (PMID: 26408188, 40598578). ClinVar contains an entry for this variant (Variation ID: 289817). Based on the evidence outlined above, the variant was classified as uncertain significance.

PreventionGenetics, part of Exact Sciences
Classification: Uncertain significance for TNXB-related condition. Last evaluated: 2025-01-29. Review status: criteria provided, single submitter. Criteria: ACMG Guidelines, 2015. Collection method: clinical testing. Allele origin: germline.
Comment: The TNXB c.211G>T variant is predicted to result in the amino acid substitution p.Val71Leu. This variant has been reported in an individual with vesicoureteral reflux (Elahi et al. 2016. PubMed ID: 26408188). This variant is reported in 0.056% of alleles in individuals of European (Finnish) descent in gnomAD. At this time, the clinical significance of this variant is uncertain due to the absence of conclusive functional and genetic evidence.

Ambry Genetics
Classification: Uncertain significance for Cardiovascular phenotype. Last evaluated: 2024-11-18. Review status: criteria provided, single submitter. Criteria: Ambry Variant Classification Scheme 2023. Collection method: clinical testing. Allele origin: germline.
Comment: The p.V71L variant (also known as c.211G>T), located in coding exon 1 of the TNXB gene, results from a G to T substitution at nucleotide position 211. The valine at codon 71 is replaced by leucine, an amino acid with highly similar properties. This variant has been reported in the heterozygous state in two relatives with vesicoureteral reflux (Elahi S et al. Pediatr Nephrol, 2016 Feb;31:247-53). This amino acid position is not well conserved in available vertebrate species. In addition, the in silico prediction for this alteration is inconclusive. Since supporting evidence is limited at this time, the clinical significance of this alteration remains unclear.

Mayo Clinic Laboratories, Mayo Clinic
Classification: Uncertain significance. Last evaluated: 2024-10-18. Review status: criteria provided, single submitter. Criteria: ACMG Guidelines, 2015. Collection method: clinical testing. Allele origin: germline. Observed: 2 variant alleles.

GeneDx
Classification: Uncertain significance. Last evaluated: 2024-05-21. Review status: criteria provided, single submitter. Criteria: GeneDx Variant Classification Process June 2021. Collection method: clinical testing. Allele origin: germline. Affected: yes.
Comment: Reported in a family in which two individuals were reported to be heterozygous for the variant; one patient with joint hypermobility and the other patient with bilateral vesicoureteral reflux (PMID: 26408188); In silico analysis supports that this missense variant does not alter protein structure/function; This variant is associated with the following publications: (PMID: 34426522, 26408188)

Labcorp Genetics (formerly Invitae), Labcorp
Classification: Uncertain significance. Last evaluated: 2023-12-05. Review status: criteria provided, single submitter. Criteria: Invitae Variant Classification Sherloc (09022015). Collection method: clinical testing. Allele origin: germline.
Comment: This sequence change replaces valine, which is neutral and non-polar, with leucine, which is neutral and non-polar, at codon 71 of the TNXB protein (p.Val71Leu). This variant is present in population databases (rs201922477, gnomAD 0.05%). This missense change has been observed in individual(s) with vesicoureteral reflux (PMID: 26408188). ClinVar contains an entry for this variant (Variation ID: 289817). An algorithm developed to predict the effect of missense changes on protein structure and function (PolyPhen-2) suggests that this variant is likely to be disruptive. In summary, the available evidence is currently insufficient to determine the role of this variant in disease. Therefore, it has been classified as a Variant of Uncertain Significance.

Fulgent Genetics
Classification: Uncertain significance for Ehlers-Danlos syndrome due to tenascin-X deficiency; Vesicoureteral reflux 8. Last evaluated: 2021-07-15. Review status: criteria provided, single submitter. Criteria: ACMG Guidelines, 2015. Collection method: clinical testing. Allele origin: unknown.

Eurofins Ntd Llc (ga)
Classification: Uncertain significance. Last evaluated: 2016-07-26. Review status: criteria provided, single submitter. Criteria: EGL Classification Definitions 2015. Collection method: clinical testing. Allele origin: germline. Observed: 1 variant allele, 1 heterozygote.

Zotz-Klimas Genetics Lab, MVZ Zotz Klimas
Classification: Uncertain significance for Ehlers-Danlos syndrome due to tenascin-X deficiency. Last evaluated: 2023-10-09. Review status: no assertion criteria provided. Collection method: clinical testing. Allele origin: germline. Affected: yes. Not counted in ClinVar's aggregate classification.

Literature cited by the submitters: PubMed 26408188 (cited by 5 submitters); PubMed 40598578 (cited by Women's Health and Genetics/Laboratory Corporation of America, LabCorp).